The following is an entry in ClinVar:

ClinVar aggregate classification (germline): Conflicting classifications of pathogenicity. Review status: criteria provided, conflicting classifications (1 of 4 stars). 3 submissions from 3 submitters: Uncertain significance (2); Likely benign (1). Last evaluated 2025-11-26.

Conditions:
Wiedemann-Steiner syndrome (WDSTS). Also called: Growth deficiency and mental retardation with facial dysmorphism. Identifiers: Orphanet 319182, MedGen C1854630, MONDO:0011518, OMIM 605130.
Inborn genetic diseases. Identifiers: MedGen C0950123, MeSH D030342.

Allele frequency attached by ClinVar (database versions not stated): gnomAD exomes below 0.00001 and 0.00001; TOPMed 0.00001; ExAC 0.00002; gnomAD 0.00002 and 0.00003.
gnomAD v4.1: 19 of 1,613,962 alleles (0.0012%); highest among the groups gnomAD compares: South Asian, 0.0022%; no homozygotes.

Submissions (3):

Ambry Genetics
Classification: Likely benign for Inborn genetic diseases. Last evaluated: 2025-11-26. Review status: criteria provided, single submitter. Criteria: Ambry Variant Classification Scheme 2023. Collection method: clinical testing. Allele origin: germline.

Women's Health and Genetics/Laboratory Corporation of America, LabCorp
Classification: Uncertain significance. Last evaluated: 2025-10-17. Review status: criteria provided, single submitter. Criteria: LabCorp Variant Classification Summary - May 2015. Collection method: clinical testing. Allele origin: germline.
Comment: Variant summary: KMT2A c.2467C>G (p.Pro823Ala) results in a non-conservative amino acid change in the encoded protein sequence. Algorithms developed to predict the effect of missense changes on protein structure and function are either unavailable or do not agree on the potential impact of this missense change. The variant allele was found at a frequency of 4e-06 in 250988 control chromosomes. The available data on variant occurrences in the general population are insufficient to allow any conclusion about variant significance. To our knowledge, no occurrence of c.2467C>G in individuals affected with KMT2A-related conditions and no experimental evidence demonstrating its impact on protein function have been reported. ClinVar contains an entry for this variant (Variation ID: 1504850). Based on the evidence outlined above, the variant was classified as uncertain significance.

Labcorp Genetics (formerly Invitae), Labcorp
Classification: Uncertain significance. Last evaluated: 2025-08-11. Review status: criteria provided, single submitter. Criteria: Invitae Variant Classification Sherloc (09022015). Collection method: clinical testing. Allele origin: germline.
Comment: This sequence change replaces proline, which is neutral and non-polar, with alanine, which is neutral and non-polar, at codon 823 of the KMT2A protein (p.Pro823Ala). This variant is present in population databases (rs782184234, gnomAD 0.003%). This variant has not been reported in the literature in individuals affected with KMT2A-related conditions. ClinVar contains an entry for this variant (Variation ID: 1504850). Invitae Evidence Modeling of protein sequence and biophysical properties (such as structural, functional, and spatial information, amino acid conservation, physicochemical variation, residue mobility, and thermodynamic stability) indicates that this missense variant is not expected to disrupt KMT2A protein function with a negative predictive value of 95%. In summary, the available evidence is currently insufficient to determine the role of this variant in disease. Therefore, it has been classified as a Variant of Uncertain Significance.

NM_001197104.2(KMT2A):c.2467C>G (p.Pro823Ala)

Gene: KMT2A (lysine methyltransferase 2A; plus strand). Cytogenetic location: 11q23.3.
Variant type: single nucleotide variant.
Coding change: c.2467C>G on transcript NM_001197104.2 (MANE Select); coding-DNA position 2467, C replaced by G.
Protein change: p.Pro823Ala; replaces proline 823 with alanine.
Molecular consequence: missense variant.
Genome position (GRCh38, 1-based): chr11:118,473,626, C>G. VCF-style: chr11-118473626-C-G. GRCh37 (hg19) VCF-style: chr11-118344341-C-G.
Other names: c.2467C>G (NM_001197104.1); c.2467C>G, p.Pro823Ala (NM_005933.4); short protein forms P823A.
Identifiers: ClinVar variation 1504850 (VCV001504850.11), dbSNP rs782184234, ClinGen allele CA6303514.